The following is an entry in ClinVar:

NM_020374.4(FERRY3):c.729-1G>A

Gene: FERRY3 (FERRY endosomal RAB5 effector complex subunit 3; minus strand). Cytogenetic location: 12p13.32.
Variant type: single nucleotide variant.
Coding change: c.729-1G>A on transcript NM_020374.4 (MANE Select); the canonical splice acceptor site of the intron before coding-DNA position 729, G replaced by A.
Molecular consequence: splice acceptor variant. On other transcripts: intron variant (1).
Genome position (GRCh38, 1-based): chr12:4,518,881, C>T on the plus strand (G>A on the coding strand, the complement: FERRY3 is on the minus strand). VCF-style: chr12-4518881-C-T. GRCh37 (hg19) VCF-style: chr12-4628047-C-T.
Other names: c.-17-626G>A (NM_001352962.2); c.210-1G>A (NM_001346157.2, NM_001346156.2); c.729-1G>A (NM_001346155.2, NM_001304811.2, NM_001346153.2).
Identifiers: ClinVar variation 3364092 (VCV003364092.1).

ClinVar aggregate classification (germline): Likely pathogenic (1 of 4 stars; one submission).

Submission:

GeneDx
Classification: Likely pathogenic. Last evaluated: 2023-11-16. Review status: criteria provided, single submitter. Criteria: GeneDx Variant Classification Process June 2021. Collection method: clinical testing. Allele origin: germline. Affected: yes.
Comment: Canonical splice site variant predicted to result in a null allele in a gene for which loss of function is a known mechanism of disease; Not observed at significant frequency in large population cohorts (gnomAD); Has not been previously published as pathogenic or benign to our knowledge